The following is an entry in ClinVar:

NM_173495.3(PTCHD1):c.460G>C (p.Val154Leu)

Gene: PTCHD1 (patched domain containing 1; plus strand). Cytogenetic location: Xp22.11.
Variant type: single nucleotide variant.
Coding change: c.460G>C on transcript NM_173495.3 (MANE Select); coding-DNA position 460, G replaced by C.
Protein change: p.Val154Leu; replaces valine 154 with leucine.
Molecular consequence: missense variant.
Genome position (GRCh38, 1-based): chrX:23,379,699, G>C. VCF-style: chrX-23379699-G-C. GRCh37 (hg19) VCF-style: chrX-23397816-G-C.
Other names: short protein forms V154L.
Identifiers: ClinVar variation 5021001 (VCV005021001.1).
Genomic context (GRCh38, chrX:23,379,699, plus strand): 5'-TACACGTTTGCCCATATATGTATCCTGAATAATGATAAGACTTGCATCGTGGATGACATA[G>C]TGCACGTCCTGGAAGAGCTAAAGAATGCTCGGGCCACCAATCGGACCAATTTTGCTATCA-3'
Protein context (NP_775766.2, residues 144-164): NDKTCIVDDI[Val154Leu]HVLEELKNAR

ClinVar aggregate classification (germline): Uncertain significance (1 of 4 stars; one submission).

Submission:

Dasa
Classification: Uncertain significance. Last evaluated: 2025-02-13. Review status: criteria provided, single submitter. Criteria: DASA Assertion Criteria. Collection method: clinical testing. Allele origin: germline.
Comment: NM_173495.3(PTCHD1):c.460G>C (p.Val154Leu) is a missense variant that results in the substitution of valine with leucine. This variant is absent from population databases. Computational prediction algorithms are consistent with a benign effect. The currently available literature and clinical evidence are not sufficient to establish a definitive association between this variant and the reported condition. Therefore, this variant is classified as a variant of uncertain significance.